The following is an entry in ClinVar:

ClinVar aggregate classification (germline): Pathogenic/Likely pathogenic. Review status: criteria provided, multiple submitters, no conflicts (2 of 4 stars). 2 submissions from 2 submitters: Pathogenic (1); Likely pathogenic (1). Last evaluated 2020-02-06.

Conditions:
Deficiency of UDPglucose-hexose-1-phosphate uridylyltransferase. Also called: GALACTOSEMIA I; GALACTOSE-1-PHOSPHATE URIDYLYLTRANSFERASE DEFICIENCY; GALT deficiency; Galactosemia, classic; Transferase Deficiency Galactosemia. Identifiers: Orphanet 352, Orphanet 79239, MedGen C0268151, MONDO:0009258, OMIM 230400.

Submissions (2):

Labcorp Genetics (formerly Invitae), Labcorp
Classification: Pathogenic for Deficiency of UDPglucose-hexose-1-phosphate uridylyltransferase. Last evaluated: 2020-02-06. Review status: criteria provided, single submitter. Criteria: Invitae Variant Classification Sherloc (09022015). Collection method: clinical testing. Allele origin: germline.
Comment: For these reasons, this variant has been classified as Pathogenic. Loss-of-function variants in GALT are known to be pathogenic (PMID: 22944367). This variant has not been reported in the literature in individuals with GALT-related conditions. This variant is not present in population databases (ExAC no frequency). This sequence change creates a premature translational stop signal (p.Glu266*) in the GALT gene. It is expected to result in an absent or disrupted protein product.

Myriad Genetics, Inc.
Classification: Likely pathogenic for Deficiency of UDPglucose-hexose-1-phosphate uridylyltransferase. Last evaluated: 2019-12-22. Review status: criteria provided, single submitter. Criteria: Myriad Women's Health Autosomal Recessive and X-Linked Classification Criteria (2019). Collection method: clinical testing. Allele origin: unknown.
Comment: NM_000155.3(GALT):c.796G>T(E266*) is expected to be pathogenic in the context of galactosemia. This variant is predicted to lead to an abnormal or absent protein product due to the creation of a premature termination codon in GALT, a gene where loss-of-function variants are known to be pathogenic. Please note: this variant was assessed in the context of healthy population screening.

Literature cited by the submitters: PubMed 22944367 (cited by Labcorp Genetics (formerly Invitae), Labcorp).

NM_000155.4(GALT):c.796G>T (p.Glu266Ter)

Gene: GALT (galactose-1-phosphate uridylyltransferase; plus strand). Cytogenetic location: 9p13.3.
Variant type: single nucleotide variant.
Coding change: c.796G>T on transcript NM_000155.4 (MANE Select); coding-DNA position 796, G replaced by T.
Protein change: p.Glu266Ter; replaces glutamic acid 266 with a stop codon.
Molecular consequence: nonsense.
Genome position (GRCh38, 1-based): chr9:34,648,870, G>T. VCF-style: chr9-34648870-G-T. GRCh37 (hg19) VCF-style: chr9-34648867-G-T.
Other names: c.469G>T, p.Glu157Ter (NM_001258332.2); short protein forms E157*, E266*.
Identifiers: ClinVar variation 983986 (VCV000983986.11), dbSNP rs1821178833, ClinGen allele CA373283963.